The following is an entry in ClinVar:

NM_001163809.2(WDR81):c.4481G>A (p.Cys1494Tyr)

Gene: WDR81 (WD repeat domain 81; plus strand). Cytogenetic location: 17p13.3.
Variant type: single nucleotide variant.
Coding change: c.4481G>A on transcript NM_001163809.2 (MANE Select); coding-DNA position 4481, G replaced by A.
Protein change: p.Cys1494Tyr; replaces cysteine 1494 with tyrosine.
Molecular consequence: missense variant.
Genome position (GRCh38, 1-based): chr17:1,732,823, G>A. VCF-style: chr17-1732823-G-A. GRCh37 (hg19) VCF-style: chr17-1636117-G-A.
Other names: c.872G>A, p.Cys291Tyr (NM_001163673.2); c.800G>A, p.Cys267Tyr (NM_001163811.2); c.1328G>A, p.Cys443Tyr (NM_152348.4); short protein forms C1494Y, C267Y, C291Y, C443Y.
Identifiers: ClinVar variation 3051957 (VCV003051957.2), dbSNP rs147426409, ClinGen allele CA8273565.

ClinVar aggregate classification (germline): Likely benign (0 of 4 stars; one submission).

Conditions:
WDR81-related disorder. Also called: WDR81-related condition.

Allele frequency attached by ClinVar (database versions not stated): ESP Exome Variant Server 0.00046; 1000 Genomes Project 0.00100; 1000 Genomes Project 30x 0.00109.
gnomAD v4.1: 164 of 1,608,110 alleles (0.01%); highest among the groups gnomAD compares: African/African-American, 0.19%; no homozygotes.

Submission:

PreventionGenetics, part of Exact Sciences
Classification: Likely benign for WDR81-related condition. Last evaluated: 2022-05-09. Review status: no assertion criteria provided. Collection method: clinical testing. Allele origin: germline.
Comment: This variant is classified as likely benign based on ACMG/AMP sequence variant interpretation guidelines (Richards et al. 2015 PMID: 25741868, with internal and published modifications).